The following is an entry in ClinVar:

ClinVar aggregate classification (germline): Uncertain significance (1 of 4 stars; one submission).

Conditions:
Gnathodiaphyseal dysplasia (GDD). Also called: GNATHODIAPHYSEAL SCLEROSIS; OSTEOGENESIS IMPERFECTA WITH UNUSUAL SKELETAL LESIONS. Identifiers: Orphanet 53697, MedGen C1833736, MONDO:0008151, OMIM 166260.
Autosomal recessive limb-girdle muscular dystrophy type 2L (LGMDR12). Also called: Limb-girdle muscular dystrophy, type 2L; Limb-Girdle Muscular Dystrophy R12 Anoctamin-5-Related (LGMD-R12); MUSCULAR DYSTROPHY, LIMB-GIRDLE, AUTOSOMAL RECESSIVE 12. Identifiers: Orphanet 206549, MedGen C1969785, MONDO:0012652, OMIM 611307.

Allele frequency attached by ClinVar (database versions not stated): ExAC 0.00001; gnomAD 0.00001; gnomAD exomes 0.00001 and 0.00006.
gnomAD v4.1: 36 of 1,613,880 alleles (0.0022%); highest among the groups gnomAD compares: East Asian, 0.08%; no homozygotes.

Submission:

Labcorp Genetics (formerly Invitae), Labcorp
Classification: Uncertain significance for Autosomal recessive limb-girdle muscular dystrophy type 2L; Gnathodiaphyseal dysplasia. Last evaluated: 2022-07-06. Review status: criteria provided, single submitter. Criteria: Invitae Variant Classification Sherloc (09022015). Collection method: clinical testing. Allele origin: germline.
Comment: This sequence change replaces phenylalanine, which is neutral and non-polar, with leucine, which is neutral and non-polar, at codon 532 of the ANO5 protein (p.Phe532Leu). This variant is present in population databases (rs768109557, gnomAD 0.02%). ClinVar contains an entry for this variant (Variation ID: 949892). Advanced modeling of protein sequence and biophysical properties (such as structural, functional, and spatial information, amino acid conservation, physicochemical variation, residue mobility, and thermodynamic stability) performed at Invitae indicates that this missense variant is not expected to disrupt ANO5 protein function. This variant has not been reported in the literature in individuals affected with ANO5-related conditions. In summary, the available evidence is currently insufficient to determine the role of this variant in disease. Therefore, it has been classified as a Variant of Uncertain Significance.

NM_213599.3(ANO5):c.1594T>C (p.Phe532Leu)

Gene: ANO5 (anoctamin 5; plus strand). Cytogenetic location: 11p14.3.
Variant type: single nucleotide variant.
Coding change: c.1594T>C on transcript NM_213599.3 (MANE Select); coding-DNA position 1594, T replaced by C.
Protein change: p.Phe532Leu; replaces phenylalanine 532 with leucine.
Molecular consequence: missense variant.
Genome position (GRCh38, 1-based): chr11:22,259,705, T>C. VCF-style: chr11-22259705-T-C. GRCh37 (hg19) VCF-style: chr11-22281251-T-C.
Other names: c.1591T>C, p.Phe531Leu (NM_001142649.2); short protein forms F532L, F531L.
Identifiers: ClinVar variation 949892 (VCV000949892.10), dbSNP rs768109557, ClinGen allele CA5923288.
Genomic context (GRCh38, chr11:22,259,705, plus strand): 5'-ATAACCACATCACTCACAGGATCATGCTTGAACTTTATTGTCATCTTGATCTTGAATTTC[T>C]TTTATGAAAAGATATCTGCCTGGATCACAAAAATGGGTAAGCTGGCCAAATCATTTGTGT-3'
Protein context (NP_998764.1, residues 522-542): NFIVILILNF[Phe532Leu]YEKISAWITK